The following is an entry in ClinVar:

NM_006231.4(POLE):c.189C>T (p.Leu63=)

Gene: POLE (DNA polymerase epsilon, catalytic subunit; minus strand). Cytogenetic location: 12q24.33.
Variant type: single nucleotide variant.
Coding change: c.189C>T on transcript NM_006231.4 (MANE Select); coding-DNA position 189, C replaced by T.
Protein change: p.Leu63=; no amino-acid change (leucine 63 retained).
Molecular consequence: synonymous variant.
Genome position (GRCh38, 1-based): chr12:132,681,153, G>A on the plus strand (C>T on the coding strand, the complement: POLE is on the minus strand). VCF-style: chr12-132681153-G-A. GRCh37 (hg19) VCF-style: chr12-133257739-G-A.
Identifiers: ClinVar variation 1140947 (VCV001140947.18), dbSNP rs2136033638, ClinGen allele CA482725426.

ClinVar aggregate classification (germline): Likely benign. Review status: criteria provided, multiple submitters, no conflicts (2 of 4 stars). 4 submissions from 4 submitters: Likely benign (4). Last evaluated 2025-11-01.

Conditions:
Hereditary cancer-predisposing syndrome. Also called: Tumor predisposition; Hereditary neoplastic syndrome; Hereditary Cancer Syndrome; Neoplastic Syndromes, Hereditary. Identifiers: Orphanet 140162, MedGen C0027672, MeSH D009386, MONDO:0015356.

Allele frequency attached by ClinVar (database versions not stated): gnomAD exomes below 0.00001.
gnomAD v4.1: 1 of 1,614,056 alleles (0.000062%); highest among the groups gnomAD compares: South Asian, 0.0011%; no homozygotes.

Submissions (4):

CeGaT Center for Human Genetics Tuebingen
Classification: Likely benign. Last evaluated: 2025-11-01. Review status: criteria provided, single submitter. Criteria: CeGaT Center For Human Genetics Tuebingen Variant Classification Criteria Version 2. Collection method: clinical testing. Allele origin: germline. Affected: yes. Observed: 1 variant allele.
Comment: POLE: BP4, BP7

Labcorp Genetics (formerly Invitae), Labcorp
Classification: Likely benign. Last evaluated: 2025-06-09. Review status: criteria provided, single submitter. Criteria: Invitae Variant Classification Sherloc (09022015). Collection method: clinical testing. Allele origin: germline.

Blueprint Genetics
Classification: Likely benign. Last evaluated: 2024-02-28. Review status: criteria provided, single submitter. Criteria: ACMG Guidelines, 2015. Collection method: clinical testing. Allele origin: germline.

Ambry Genetics
Classification: Likely benign for Hereditary cancer-predisposing syndrome. Last evaluated: 2018-11-14. Review status: criteria provided, single submitter. Criteria: Ambry Variant Classification Scheme 2023. Collection method: clinical testing. Allele origin: germline.